The following is an entry in ClinVar:

ClinVar aggregate classification (germline): Likely benign. Review status: criteria provided, multiple submitters, no conflicts (2 of 4 stars). 5 submissions from 5 submitters: Likely benign (4). 1 of the submissions does not count toward it. Last evaluated 2025-07-26.

Conditions:
Inborn genetic diseases. Identifiers: MedGen C0950123, MeSH D030342.
Amyotrophic lateral sclerosis type 6. Also called: FUS-Related Amyotrophic Laterial Sclerosis; AMYOTROPHIC LATERAL SCLEROSIS 6 WITHOUT FRONTOTEMPORAL DEMENTIA; Amyotrophic lateral sclerosis 6, with or without frontotemporal dementia. Identifiers: Orphanet 275872, Orphanet 803, MedGen C2931786, MONDO:0011951, OMIM 608030.
Tremor, hereditary essential, 4 (ETM4). Identifiers: MedGen C3539195, MONDO:0013888, OMIM 614782.
FUS-related disorder. Also called: FUS-related condition.

Submissions (5):

Labcorp Genetics (formerly Invitae), Labcorp
Classification: Likely benign for Tremor, hereditary essential, 4; Amyotrophic lateral sclerosis type 6. Last evaluated: 2025-07-26. Review status: criteria provided, single submitter. Criteria: Invitae Variant Classification Sherloc (09022015). Collection method: clinical testing. Allele origin: germline.

CeGaT Center for Human Genetics Tuebingen
Classification: Likely benign. Last evaluated: 2022-11-01. Review status: criteria provided, single submitter. Criteria: CeGaT Center For Human Genetics Tuebingen Variant Classification Criteria Version 2. Collection method: clinical testing. Allele origin: germline. Affected: yes. Observed: 3 variant alleles.
Comment: FUS: BP3

Ambry Genetics
Classification: Likely benign for Inborn genetic diseases. Last evaluated: 2019-11-08. Review status: criteria provided, single submitter. Criteria: Ambry Variant Classification Scheme 2023. Collection method: clinical testing. Allele origin: germline.

Athena Diagnostics
Classification: Likely benign. Last evaluated: 2017-03-16. Review status: criteria provided, single submitter. Criteria: Athena Diagnostics Criteria. Collection method: clinical testing. Allele origin: germline.

PreventionGenetics, part of Exact Sciences
Classification: Likely benign for FUS-related condition. Last evaluated: 2023-12-26. Review status: no assertion criteria provided. Collection method: clinical testing. Allele origin: germline. Not counted in ClinVar's aggregate classification.
Comment: This variant is classified as likely benign based on ACMG/AMP sequence variant interpretation guidelines (Richards et al. 2015 PMID: 25741868, with internal and published modifications).

NM_004960.4(FUS):c.681_689del (p.Gly229_Gly231del)

Gene: FUS (FUS DNA/RNA binding protein; plus strand). Cytogenetic location: 16p11.2.
Variant type: Deletion.
Coding change: c.681_689del on transcript NM_004960.4 (MANE Select); coding-DNA positions 681 to 689, 9 bases deleted (CGGCGGTGG; older notation c.681_689delCGGCGGTGG).
Protein change: p.Gly229_Gly231del.
Molecular consequence: inframe deletion. On other transcripts: non-coding transcript variant (1).
Genome position (GRCh38, 1-based): chr16:31,185,096-31,185,104, CGGCGGTGG deleted; deleting any 9 consecutive bases within chr16:31,185,094-31,185,104 gives the same sequence; the c. name uses the placement nearest the transcript's 3' end. VCF-style (leftmost placement, unchanged base first): chr16-31185093-CGGCGGCGGT-C. GRCh37 (hg19) VCF-style: chr16-31196414-CGGCGGCGGT-C.
Other names: c.681_689delCGGCGGTGG (NM_004960.3); c.678_686del, p.Gly228_Gly230del (NM_001170634.1); c.669_677del, p.Gly225_Gly227del (NM_001170937.1).
Identifiers: ClinVar variation 447358 (VCV000447358.44), dbSNP rs767564995, ClinGen allele CA8023752.